The following is an entry in ClinVar:

ClinVar aggregate classification (germline): Benign/Likely benign. Review status: criteria provided, multiple submitters, no conflicts (2 of 4 stars). 3 submissions from 3 submitters: Benign (1); Likely benign (2). Last evaluated 2025-11-24.

Allele frequency attached by ClinVar (database versions not stated): 1000 Genomes Project 0.00020; ESP Exome Variant Server 0.00023; 1000 Genomes Project 30x 0.00031; gnomAD 0.00039 and 0.00040; TOPMed 0.00048; ExAC 0.00089.
gnomAD v4.1: 425 of 1,594,176 alleles (0.027%); highest among the groups gnomAD compares: Middle Eastern, 0.14%; 1 homozygote.

Submissions (3):

Labcorp Genetics (formerly Invitae), Labcorp
Classification: Benign. Last evaluated: 2025-11-24. Review status: criteria provided, single submitter. Criteria: Invitae Variant Classification Sherloc (09022015). Collection method: clinical testing. Allele origin: germline.

Blueprint Genetics
Classification: Likely benign. Last evaluated: 2024-11-27. Review status: criteria provided, single submitter. Criteria: ACMG Guidelines, 2015. Collection method: clinical testing. Allele origin: germline.

CeGaT Center for Human Genetics Tuebingen
Classification: Likely benign. Last evaluated: 2023-11-01. Review status: criteria provided, single submitter. Criteria: CeGaT Center For Human Genetics Tuebingen Variant Classification Criteria Version 2. Collection method: clinical testing. Allele origin: germline. Affected: yes. Observed: 1 variant allele.
Comment: CACNA1B: BP4

NM_000718.4(CACNA1B):c.6031-6C>T

Gene: CACNA1B (calcium voltage-gated channel subunit alpha1 B; plus strand). Cytogenetic location: 9q34.3.
Variant type: single nucleotide variant.
Coding change: c.6031-6C>T on transcript NM_000718.4 (MANE Select); 6 bases into the intron before coding-DNA position 6031, C replaced by T.
Molecular consequence: intron variant.
Genome position (GRCh38, 1-based): chr9:138,120,159, C>T. VCF-style: chr9-138120159-C-T. GRCh37 (hg19) VCF-style: chr9-141014611-C-T.
Other names: c.6031-6C>T (NM_001243812.2).
Identifiers: ClinVar variation 1633852 (VCV001633852.32), dbSNP rs201506051, ClinGen allele CA5377589.
Genomic context (GRCh38, chr9:138,120,159, plus strand): 5'-TCCATGCCTGCATTCCCGCTGACCCTGGTGCCTCCCCTAGGCCCACTCTCAGTCCTTTGC[C>T]CACAGCCCGTCACAGATGCCAGCCCCATGAAGCGCTCCATCTCCACGCTGGCCCAGCGGC-3'